The following is an entry in ClinVar:

NM_000478.6(ALPL):c.649-3T>C

Gene: ALPL (alkaline phosphatase, biomineralization associated; plus strand). Cytogenetic location: 1p36.12.
Variant type: single nucleotide variant.
Coding change: c.649-3T>C on transcript NM_000478.6 (MANE Select); 3 bases into the intron before coding-DNA position 649, T replaced by C.
Molecular consequence: intron variant.
Genome position (GRCh38, 1-based): chr1:21,568,101, T>C. VCF-style: chr1-21568101-T-C. GRCh37 (hg19) VCF-style: chr1-21894594-T-C.
Other names: c.649-3T>C (NM_001369805.2, NM_001369804.2, NM_001369803.2); c.484-3T>C (NM_001127501.4); c.418-3T>C (NM_001177520.3).
Identifiers: ClinVar variation 2179696 (VCV002179696.2), dbSNP rs2545316769, ClinGen allele CA2580061474.
Genomic context (GRCh38, chr1:21,568,101, plus strand): 5'-AGGTCACTGGGGCTTCTGGGCATCTTGGAACCCTGCAGAAGTGATGGCTCCTGTCTCTTT[T>C]AGGTGATCATGGGGGGTGGCCGGAAATACATGTACCCCAAGAATAAAACTGATGTGGAGT-3'

ClinVar aggregate classification (germline): Uncertain significance (1 of 4 stars; one submission).

Submission:

Labcorp Genetics (formerly Invitae), Labcorp
Classification: Uncertain significance. Last evaluated: 2025-12-03. Review status: criteria provided, single submitter. Criteria: Invitae Variant Classification Sherloc (09022015). Collection method: clinical testing. Allele origin: germline.
Comment: This sequence change falls in intron 6 of the ALPL gene. It does not directly change the encoded amino acid sequence of the ALPL protein. It affects a nucleotide within the consensus splice site. This variant is not present in population databases (gnomAD no frequency). This variant has not been reported in the literature in individuals affected with ALPL-related conditions. ClinVar contains an entry for this variant (Variation ID: 2179696). Variants that disrupt the consensus splice site are a relatively common cause of aberrant splicing (PMID: 17576681, 9536098). Algorithms developed to predict the effect of sequence changes on RNA splicing suggest that this variant is not likely to affect RNA splicing. In summary, the available evidence is currently insufficient to determine the role of this variant in disease. Therefore, it has been classified as a Variant of Uncertain Significance.

Literature cited by the submitters: PubMed 17576681; PubMed 9536098.